The following is an entry in ClinVar:

ClinVar aggregate classification (germline): Uncertain significance. Review status: criteria provided, multiple submitters, no conflicts (2 of 4 stars). 2 submissions from 2 submitters: Uncertain significance (2). Last evaluated 2024-03-26.

Conditions:
Granulomatous disease, chronic, X-linked. Also called: GRANULOMATOUS DISEASE, CHRONIC, X-LINKED, SOMATIC MOSAIC; CYTOCHROME b-NEGATIVE GRANULOMATOUS DISEASE, CHRONIC, X-LINKED. Identifiers: Orphanet 379, MedGen C1844376, MONDO:0010600, OMIM 306400.

gnomAD v4.1: 2 of 1,210,837 alleles (0.00017%); highest among the groups gnomAD compares: Non-Finnish European, 0.00022%; no homozygotes.

Submissions (2):

GeneDx
Classification: Uncertain significance. Last evaluated: 2024-03-26. Review status: criteria provided, single submitter. Criteria: GeneDx Variant Classification Process June 2021. Collection method: clinical testing. Allele origin: germline. Affected: yes.
Comment: Not observed at significant frequency in large population cohorts (gnomAD); In silico analysis supports that this missense variant has a deleterious effect on protein structure/function; Has not been previously published as pathogenic or benign to our knowledge

Labcorp Genetics (formerly Invitae), Labcorp
Classification: Uncertain significance for Granulomatous disease, chronic, X-linked. Last evaluated: 2022-10-31. Review status: criteria provided, single submitter. Criteria: Invitae Variant Classification Sherloc (09022015). Collection method: clinical testing. Allele origin: germline.
Comment: In summary, the available evidence is currently insufficient to determine the role of this variant in disease. Therefore, it has been classified as a Variant of Uncertain Significance. Advanced modeling of protein sequence and biophysical properties (such as structural, functional, and spatial information, amino acid conservation, physicochemical variation, residue mobility, and thermodynamic stability) performed at Invitae indicates that this missense variant is not expected to disrupt CYBB protein function. This variant has not been reported in the literature in individuals affected with CYBB-related conditions. This variant is not present in population databases (gnomAD no frequency). This sequence change replaces alanine, which is neutral and non-polar, with serine, which is neutral and polar, at codon 417 of the CYBB protein (p.Ala417Ser).

NM_000397.4(CYBB):c.1249G>T (p.Ala417Ser)

Gene: CYBB (cytochrome b-245 beta chain; plus strand). Cytogenetic location: Xp11.4.
Variant type: single nucleotide variant.
Coding change: c.1249G>T on transcript NM_000397.4 (MANE Select); coding-DNA position 1249, G replaced by T.
Protein change: p.Ala417Ser; replaces alanine 417 with serine.
Molecular consequence: missense variant.
Genome position (GRCh38, 1-based): chrX:37,805,103, G>T. VCF-style: chrX-37805103-G-T. GRCh37 (hg19) VCF-style: chrX-37664356-G-T.
Other names: short protein forms A417S.
Identifiers: ClinVar variation 2013369 (VCV002013369.5), dbSNP rs782094658, ClinGen allele CA412977813.